The following is an entry in ClinVar:

NM_031844.3(HNRNPU):c.141C>T (p.Ala47=)

Gene: HNRNPU (heterogeneous nuclear ribonucleoprotein U; minus strand). Cytogenetic location: 1q44.
Variant type: single nucleotide variant.
Coding change: c.141C>T on transcript NM_031844.3 (MANE Select); coding-DNA position 141, C replaced by T.
Protein change: p.Ala47=; no amino-acid change (alanine 47 retained).
Molecular consequence: synonymous variant.
Genome position (GRCh38, 1-based): chr1:244,864,167, G>A on the plus strand (C>T on the coding strand, the complement: HNRNPU is on the minus strand). VCF-style: chr1-244864167-G-A. GRCh37 (hg19) VCF-style: chr1-245027469-G-A.
Other names: p.Ala47=; c.141C>T, p.Ala47= (NM_004501.3).
Identifiers: ClinVar variation 414104 (VCV000414104.23), dbSNP rs111518952, ClinGen allele CA1486863.
Genomic context (GRCh38, chr1:244,864,167, plus strand): 5'-AGCGGAATCCCCGCCCAGGTCTAGGCTGCCGTTCCCGGGCTCCATGGCGGGGCGGCCCCC[G>A]GCCTCCTCGTCGTCCAGCGCAGCCTGGAGTCGCTCCATGAGCTCGGCCTTGAGACCCTTG-3'
Protein context (NP_114032.2, residues 37-57): RLQAALDDEE[Ala47=]GGRPAMEPGN

ClinVar aggregate classification (germline): Benign/Likely benign. Review status: criteria provided, multiple submitters, no conflicts (2 of 4 stars). 7 submissions from 7 submitters: Benign (3); Likely benign (4). Last evaluated 2026-02-03.

Conditions:
Developmental and epileptic encephalopathy, 54. Also called: HNRNPU-Related Neurodevelopmental Disorder; Epileptic encephalopathy, early infantile, 54. Identifiers: MedGen C4479319, MONDO:0033363, OMIM 617391.
Inborn genetic diseases. Identifiers: MedGen C0950123, MeSH D030342.

Allele frequency attached by ClinVar (database versions not stated): gnomAD exomes 0.00098; ExAC 0.00167; 1000 Genomes Project 30x 0.00312; 1000 Genomes Project 0.00319; ESP Exome Variant Server 0.00446; gnomAD 0.00501 and 0.00536; TOPMed 0.00533.

Submissions (7):

Labcorp Genetics (formerly Invitae), Labcorp
Classification: Benign for Developmental and epileptic encephalopathy, 54. Last evaluated: 2026-02-03. Review status: criteria provided, single submitter. Criteria: Invitae Variant Classification Sherloc (09022015). Collection method: clinical testing. Allele origin: germline.

Blueprint Genetics
Classification: Likely benign. Last evaluated: 2024-11-25. Review status: criteria provided, single submitter. Criteria: ACMG Guidelines, 2015. Collection method: clinical testing. Allele origin: germline.

Mayo Clinic Laboratories, Mayo Clinic
Classification: Benign. Last evaluated: 2024-08-02. Review status: criteria provided, single submitter. Criteria: ACMG Guidelines, 2015. Collection method: clinical testing. Allele origin: germline. Observed: 2 variant alleles.
Comment: BS1, BS2, BP4, BP7

GeneDx
Classification: Likely benign. Last evaluated: 2021-11-03. Review status: criteria provided, single submitter. Criteria: GeneDx Variant Classification Process June 2021. Collection method: clinical testing. Allele origin: germline. Affected: yes.

Athena Diagnostics
Classification: Benign. Last evaluated: 2018-06-20. Review status: criteria provided, single submitter. Criteria: Athena Diagnostics Criteria. Collection method: clinical testing. Allele origin: germline.

Ambry Genetics
Classification: Likely benign for Inborn genetic diseases. Last evaluated: 2016-05-18. Review status: criteria provided, single submitter. Criteria: Ambry Variant Classification Scheme 2023. Collection method: clinical testing. Allele origin: germline.

Breakthrough Genomics
Classification: Likely benign. Review status: criteria provided, single submitter. Criteria: ACMG Guidelines, 2015. Collection method: not provided. Allele origin: germline. Inheritance: Autosomal dominant inheritance. Affected: yes.